The following is an entry in ClinVar:

NM_004568.6(SERPINB6):c.441G>A (p.Ala147=)

Gene: SERPINB6 (serpin family B member 6; minus strand). Cytogenetic location: 6p25.2.
Variant type: single nucleotide variant.
Coding change: c.441G>A on transcript NM_004568.6 (MANE Select); coding-DNA position 441, G replaced by A.
Protein change: p.Ala147=; no amino-acid change (alanine 147 retained).
Molecular consequence: synonymous variant. On other transcripts: non-coding transcript variant (1).
Genome position (GRCh38, 1-based): chr6:2,953,176, C>T on the plus strand (G>A on the coding strand, the complement: SERPINB6 is on the minus strand). VCF-style: chr6-2953176-C-T. GRCh37 (hg19) VCF-style: chr6-2953410-C-T.
Other names: c.441G>A (NM_004568.5); c.453G>A, p.Ala151= (NM_001195291.3, NM_001374515.1); c.483G>A, p.Ala161= (NM_001271822.2); c.498G>A, p.Ala166= (NM_001271823.2); c.441G>A, p.Ala147= (NM_001271824.2, NM_001271825.2, NM_001297699.2 and 2 more transcripts); c.309G>A, p.Ala103= (NM_001374517.1).
Identifiers: ClinVar variation 500195 (VCV000500195.11), dbSNP rs201913568, ClinGen allele CA3617526.

ClinVar aggregate classification (germline): Conflicting classifications of pathogenicity. Review status: criteria provided, conflicting classifications (1 of 4 stars). 3 submissions from 3 submitters: Uncertain significance (1); Likely benign (1). 1 of the submissions does not count toward it. Last evaluated 2024-09-17.

Conditions:
SERPINB6-related disorder. Also called: SERPINB6-related condition.

Allele frequency attached by ClinVar (database versions not stated): TOPMed 0.00008; 1000 Genomes Project 0.00020; 1000 Genomes Project 30x 0.00031.
gnomAD v4.1: 45 of 1,614,200 alleles (0.0028%); highest among the groups gnomAD compares: Admixed American, 0.033%; no homozygotes.

Submissions (3):

Labcorp Genetics (formerly Invitae), Labcorp
Classification: Likely benign. Last evaluated: 2024-09-17. Review status: criteria provided, single submitter. Criteria: Invitae Variant Classification Sherloc (09022015). Collection method: clinical testing. Allele origin: germline.

Eurofins Ntd Llc (ga)
Classification: Uncertain significance. Last evaluated: 2017-02-21. Review status: criteria provided, single submitter. Criteria: EGL Classification Definitions 2015. Collection method: clinical testing. Allele origin: germline. Observed: 1 variant allele, 1 heterozygote.

PreventionGenetics, part of Exact Sciences
Classification: Likely benign for SERPINB6-related condition. Last evaluated: 2022-07-25. Review status: no assertion criteria provided. Collection method: clinical testing. Allele origin: germline. Not counted in ClinVar's aggregate classification.
Comment: This variant is classified as likely benign based on ACMG/AMP sequence variant interpretation guidelines (Richards et al. 2015 PMID: 25741868, with internal and published modifications).